The following is an entry in ClinVar:

NM_001197104.2(KMT2A):c.10525C>T (p.Gln3509Ter)

Gene: KMT2A (lysine methyltransferase 2A; plus strand). Cytogenetic location: 11q23.3.
Variant type: single nucleotide variant.
Coding change: c.10525C>T on transcript NM_001197104.2 (MANE Select); coding-DNA position 10525, C replaced by T.
Protein change: p.Gln3509Ter; replaces glutamine 3509 with a stop codon.
Molecular consequence: nonsense.
Genome position (GRCh38, 1-based): chr11:118,506,417, C>T. VCF-style: chr11-118506417-C-T. GRCh37 (hg19) VCF-style: chr11-118377132-C-T.
Other names: c.10615C>T, p.Gln3539Ter (NM_001412597.1); c.10516C>T, p.Gln3506Ter (NM_005933.4); short protein forms Q3506*, Q3539*, Q3509*.
Identifiers: ClinVar variation 2695298 (VCV002695298.3), dbSNP rs2134413427, ClinGen allele CA382826057.
Genomic context (GRCh38, chr11:118,506,417, plus strand): 5'-ACGGTAGACGCTCCTAATAGCATGGGACTGGAGCAGAACAAGGCTTTATCCTCAGCTGTG[C>T]AAGCCAGCCCCACCTCTCCTGGGGGTTCTCCATCCTCTCCATCTTCTGGACAGCGGTCAG-3'

ClinVar aggregate classification (germline): Pathogenic (1 of 4 stars; one submission).

Submission:

Labcorp Genetics (formerly Invitae), Labcorp
Classification: Pathogenic. Last evaluated: 2023-11-12. Review status: criteria provided, single submitter. Criteria: Invitae Variant Classification Sherloc (09022015). Collection method: clinical testing. Allele origin: germline.
Comment: This sequence change creates a premature translational stop signal (p.Gln3509*) in the KMT2A gene. It is expected to result in an absent or disrupted protein product. Loss-of-function variants in KMT2A are known to be pathogenic (PMID: 22795537, 25810209, 29574747). This variant is not present in population databases (gnomAD no frequency). This variant has not been reported in the literature in individuals affected with KMT2A-related conditions. For these reasons, this variant has been classified as Pathogenic.

Literature cited by the submitters: PubMed 22795537; PubMed 25810209; PubMed 29574747.